The following continues an entry in ClinVar:

NM_001281740.3(FHOD3):c.2464G>T (p.Val822Phe)

Gene: FHOD3. ClinVar aggregate classification (germline): Benign/Likely benign. Benign (2); Likely benign (2).

Submissions 34 to 53 of 53:

Dr. Peter K. Rogan Lab, Western University
No classification provided (evidence only). Condition: Cervical cancer. Review status: no classification provided. Collection method: in vitro. Allele origin: not applicable. Functional consequence: skipped exon. Not counted in ClinVar's aggregate classification.

Dr. Peter K. Rogan Lab, Western University
No classification provided (evidence only). Condition: Cervical cancer. Review status: no classification provided. Collection method: in vitro. Allele origin: not applicable. Functional consequence: skipped exon. Not counted in ClinVar's aggregate classification.

Dr. Peter K. Rogan Lab, Western University
No classification provided (evidence only). Condition: Cervical cancer. Review status: no classification provided. Collection method: in vitro. Allele origin: not applicable. Functional consequence: skipped exon, retained intron. Not counted in ClinVar's aggregate classification.

Dr. Peter K. Rogan Lab, Western University
No classification provided (evidence only). Condition: Cervical cancer. Review status: no classification provided. Collection method: in vitro. Allele origin: not applicable. Functional consequence: skipped exon. Not counted in ClinVar's aggregate classification.

Dr. Peter K. Rogan Lab, Western University
No classification provided (evidence only). Condition: Cervical cancer. Review status: no classification provided. Collection method: in vitro. Allele origin: not applicable. Functional consequence: skipped exon. Not counted in ClinVar's aggregate classification.

Dr. Peter K. Rogan Lab, Western University
No classification provided (evidence only). Condition: Cervical cancer. Review status: no classification provided. Collection method: in vitro. Allele origin: not applicable. Functional consequence: skipped exon. Not counted in ClinVar's aggregate classification.

Dr. Peter K. Rogan Lab, Western University
No classification provided (evidence only). Condition: Sarcoma. Review status: no classification provided. Collection method: in vitro. Allele origin: not applicable. Functional consequence: retained intron. Not counted in ClinVar's aggregate classification.

Dr. Peter K. Rogan Lab, Western University
No classification provided (evidence only). Condition: Sarcoma. Review status: no classification provided. Collection method: in vitro. Allele origin: not applicable. Functional consequence: skipped exon. Not counted in ClinVar's aggregate classification.

Dr. Peter K. Rogan Lab, Western University
No classification provided (evidence only). Condition: Sarcoma. Review status: no classification provided. Collection method: in vitro. Allele origin: not applicable. Functional consequence: skipped exon. Not counted in ClinVar's aggregate classification.

Dr. Peter K. Rogan Lab, Western University
No classification provided (evidence only). Condition: Sarcoma. Review status: no classification provided. Collection method: in vitro. Allele origin: not applicable. Functional consequence: skipped exon. Not counted in ClinVar's aggregate classification.

Dr. Peter K. Rogan Lab, Western University
No classification provided (evidence only). Condition: Hepatocellular carcinoma. Review status: no classification provided. Collection method: in vitro. Allele origin: not applicable. Functional consequence: skipped exon, retained intron. Not counted in ClinVar's aggregate classification.

Dr. Peter K. Rogan Lab, Western University
No classification provided (evidence only). Condition: Nonpapillary renal cell carcinoma. Review status: no classification provided. Collection method: in vitro. Allele origin: not applicable. Functional consequence: skipped exon. Not counted in ClinVar's aggregate classification.

Dr. Peter K. Rogan Lab, Western University
No classification provided (evidence only). Condition: Nonpapillary renal cell carcinoma. Review status: no classification provided. Collection method: in vitro. Allele origin: not applicable. Functional consequence: skipped exon. Not counted in ClinVar's aggregate classification.

Dr. Peter K. Rogan Lab, Western University
No classification provided (evidence only). Condition: Nonpapillary renal cell carcinoma. Review status: no classification provided. Collection method: in vitro. Allele origin: not applicable. Functional consequence: skipped exon. Not counted in ClinVar's aggregate classification.

Dr. Peter K. Rogan Lab, Western University
No classification provided (evidence only). Condition: Nonpapillary renal cell carcinoma. Review status: no classification provided. Collection method: in vitro. Allele origin: not applicable. Functional consequence: skipped exon, retained intron. Not counted in ClinVar's aggregate classification.

Dr. Peter K. Rogan Lab, Western University
No classification provided (evidence only). Condition: Thymoma. Review status: no classification provided. Collection method: in vitro. Allele origin: not applicable. Functional consequence: skipped exon, retained intron. Not counted in ClinVar's aggregate classification.

Dr. Peter K. Rogan Lab, Western University
No classification provided (evidence only). Condition: Thymoma. Review status: no classification provided. Collection method: in vitro. Allele origin: not applicable. Functional consequence: skipped exon, retained intron. Not counted in ClinVar's aggregate classification.

Dr. Peter K. Rogan Lab, Western University
No classification provided (evidence only). Condition: Cholangiocarcinoma. Review status: no classification provided. Collection method: in vitro. Allele origin: not applicable. Functional consequence: skipped exon. Not counted in ClinVar's aggregate classification.

Dr. Peter K. Rogan Lab, Western University
No classification provided (evidence only). Condition: Malignant tumor of esophagus. Review status: no classification provided. Collection method: in vitro. Allele origin: not applicable. Functional consequence: retained intron. Not counted in ClinVar's aggregate classification.

Dr. Peter K. Rogan Lab, Western University
No classification provided (evidence only). Condition: Lymphoma. Review status: no classification provided. Collection method: in vitro. Allele origin: not applicable. Functional consequence: skipped exon. Not counted in ClinVar's aggregate classification.